The following is an entry in ClinVar:

NM_003482.4(KMT2D):c.16100C>T (p.Thr5367Ile)

Gene: KMT2D (lysine methyltransferase 2D; minus strand). Cytogenetic location: 12q13.12.
Variant type: single nucleotide variant.
Coding change: c.16100C>T on transcript NM_003482.4 (MANE Select); coding-DNA position 16100, C replaced by T.
Protein change: p.Thr5367Ile; replaces threonine 5367 with isoleucine.
Molecular consequence: missense variant.
Genome position (GRCh38, 1-based): chr12:49,022,828, G>A on the plus strand (C>T on the coding strand, the complement: KMT2D is on the minus strand). VCF-style: chr12-49022828-G-A. GRCh37 (hg19) VCF-style: chr12-49416611-G-A.
Other names: short protein forms T5367I.
Identifiers: ClinVar variation 3679476 (VCV003679476.2).

ClinVar aggregate classification (germline): Uncertain significance (1 of 4 stars; one submission).

Conditions:
Kabuki syndrome. Also called: NIIKAWA-KUROKI SYNDROME; Kabuki make-up syndrome. Identifiers: Orphanet 2322, MedGen C0796004, MONDO:0016512.

Submission:

Labcorp Genetics (formerly Invitae), Labcorp
Classification: Uncertain significance for Kabuki syndrome. Last evaluated: 2025-01-12. Review status: criteria provided, single submitter. Criteria: Invitae Variant Classification Sherloc (09022015). Collection method: clinical testing. Allele origin: germline.
Comment: This sequence change replaces threonine, which is neutral and polar, with isoleucine, which is neutral and non-polar, at codon 5367 of the KMT2D protein (p.Thr5367Ile). This variant is not present in population databases (gnomAD no frequency). This variant has not been reported in the literature in individuals affected with KMT2D-related conditions. Invitae Evidence Modeling of protein sequence and biophysical properties (such as structural, functional, and spatial information, amino acid conservation, physicochemical variation, residue mobility, and thermodynamic stability) has been performed for this missense variant. However, the output from this modeling did not meet the statistical confidence thresholds required to predict the impact of this variant on KMT2D protein function. Algorithms developed to predict the effect of sequence changes on RNA splicing suggest that this variant may create or strengthen a splice site. In summary, the available evidence is currently insufficient to determine the role of this variant in disease. Therefore, it has been classified as a Variant of Uncertain Significance.